The following is an entry in ClinVar:

ClinVar aggregate classification (germline): Pathogenic. Review status: criteria provided, multiple submitters, no conflicts (2 of 4 stars). 2 submissions from 2 submitters: Pathogenic (2). Last evaluated 2025-06-02.

Allele frequency attached by ClinVar (database versions not stated): TOPMed 0.00003.
gnomAD v4.1: 6 of 1,613,946 alleles (0.00037%); highest among the groups gnomAD compares: African/African-American, 0.0013%; no homozygotes.

Submissions (2):

GeneDx
Classification: Pathogenic. Last evaluated: 2025-06-02. Review status: criteria provided, single submitter. Criteria: GeneDx Variant Classification Process June 2021. Collection method: clinical testing. Allele origin: germline. Affected: yes.
Comment: Nonsense variant predicted to result in protein truncation or nonsense mediated decay in a gene for which loss of function is a known mechanism of disease; Not observed at significant frequency in large population cohorts (gnomAD); Has not been previously published as pathogenic or benign to our knowledge

Labcorp Genetics (formerly Invitae), Labcorp
Classification: Pathogenic. Last evaluated: 2025-04-28. Review status: criteria provided, single submitter. Criteria: Invitae Variant Classification Sherloc (09022015). Collection method: clinical testing. Allele origin: germline.
Comment: This sequence change creates a premature translational stop signal (p.Trp3292*) in the MYO15A gene. It is expected to result in an absent or disrupted protein product. Loss-of-function variants in MYO15A are known to be pathogenic (PMID: 17546645). This variant is not present in population databases (gnomAD no frequency). This variant has not been reported in the literature in individuals affected with MYO15A-related conditions. ClinVar contains an entry for this variant (Variation ID: 392810). For these reasons, this variant has been classified as Pathogenic.

Literature cited by the submitters: PubMed 17546645 (cited by Labcorp Genetics (formerly Invitae), Labcorp).

NM_016239.4(MYO15A):c.9876G>A (p.Trp3292Ter)

Gene: MYO15A (myosin XVA; plus strand). Cytogenetic location: 17p11.2.
Variant type: single nucleotide variant.
Coding change: c.9876G>A on transcript NM_016239.4 (MANE Select); coding-DNA position 9876, G replaced by A.
Protein change: p.Trp3292Ter; replaces tryptophan 3292 with a stop codon.
Molecular consequence: nonsense.
Genome position (GRCh38, 1-based): chr17:18,166,449, G>A. VCF-style: chr17-18166449-G-A. GRCh37 (hg19) VCF-style: chr17-18069763-G-A.
Other names: short protein forms W3292*.
Identifiers: ClinVar variation 392810 (VCV000392810.10), dbSNP rs779093807, ClinGen allele CA16607541.